The following is an entry in ClinVar:

NM_017739.4(POMGNT1):c.1686T>A (p.Cys562Ter)

Genes: POMGNT1 (protein O-linked mannose N-acetylglucosaminyltransferase 1 (beta 1,2-); minus strand), TSPAN1 (tetraspanin 1; plus strand). Cytogenetic location: 1p34.1.
Variant type: single nucleotide variant.
Coding change: c.1686T>A on transcript NM_017739.4 (MANE Select); coding-DNA position 1686, T replaced by A.
Protein change: p.Cys562Ter; replaces cysteine 562 with a stop codon.
Molecular consequence: nonsense.
Genome position (GRCh38, 1-based): chr1:46,189,953, A>T on the plus strand (T>A on the coding strand, the complement: POMGNT1 is on the minus strand). VCF-style: chr1-46189953-A-T. GRCh37 (hg19) VCF-style: chr1-46655625-A-T.
Other names: c.1686T>A (NM_017739.3); c.1686T>A, p.Cys562Ter (NM_001243766.2, NM_001410783.1); c.1620T>A, p.Cys540Ter (NM_001290129.3); c.1257T>A, p.Cys419Ter (NM_001290130.2); short protein forms C419*, C540*, C562*.
Identifiers: ClinVar variation 1802204 (VCV001802204.4), dbSNP rs2525345067, ClinGen allele CA340171534.

ClinVar aggregate classification (germline): Likely pathogenic. Review status: criteria provided, multiple submitters, no conflicts (2 of 4 stars). 2 submissions from 2 submitters: Likely pathogenic (2). Last evaluated 2024-02-20.

Conditions:
Muscular dystrophy-dystroglycanopathy (congenital with brain and eye anomalies), type A3. Also called: Muscular dystrophy-dystroglycanopathy (congenital with brain and eye anomalies), type A, 3; WALKER-WARBURG SYNDROME OR MUSCLE-EYE-BRAIN DISEASE, POMGNT1-RELATED; Congenital muscular dystrophy-dystroglycanopathy with brain and eye anomalies, type A3. Identifiers: MedGen C3151519, MONDO:0009667, OMIM 253280.
Muscular dystrophy-dystroglycanopathy (congenital with impaired intellectual development), type B, 3. Also called: MUSCULAR DYSTROPHY, CONGENITAL, POMGNT1-RELATED; Muscular dystrophy-dystroglycanopathy (congenital with intellectual disability), type B3. Identifiers: MedGen C3150412, MONDO:0013155, OMIM 613151.
Retinitis pigmentosa 76 (RP76). Identifiers: MedGen C4310704, MONDO:0014929, OMIM 617123.
Autosomal recessive limb-girdle muscular dystrophy type 2O. Also called: MUSCULAR DYSTROPHY-DYSTROGLYCANOPATHY (LIMB-GIRDLE), TYPE C, 3; Limb-Girdle Muscular Dystrophy Type 3C; MUSCULAR DYSTROPHY-DYSTROGLYCANOPATHY, LIMB-GIRDLE, POMGNT1-RELATED. Identifiers: Orphanet 206564, MedGen C3150417, MONDO:0013161, OMIM 613157.

Submissions (2):

Fulgent Genetics
Classification: Likely pathogenic for Muscular dystrophy-dystroglycanopathy (congenital with brain and eye anomalies), type A3; Muscular dystrophy-dystroglycanopathy (congenital with impaired intellectual development), type B, 3; Autosomal recessive limb-girdle muscular dystrophy type 2O; Retinitis pigmentosa 76. Last evaluated: 2024-02-20. Review status: criteria provided, single submitter. Criteria: ACMG Guidelines, 2015. Collection method: clinical testing. Allele origin: germline.

Diagnostics Services (NGS), CSIR - Centre For Cellular And Molecular Biology
Classification: Likely pathogenic for Muscular dystrophy-dystroglycanopathy (congenital with impaired intellectual development), type B, 3; Autosomal recessive limb-girdle muscular dystrophy type 2O; Muscular dystrophy-dystroglycanopathy (congenital with brain and eye anomalies), type A3. Last evaluated: 2022-07-01. Review status: criteria provided, single submitter. Criteria: ACMG Guidelines, 2015. Collection method: clinical testing. Allele origin: germline. Affected: yes. Observed: 1 variant allele, 1 homozygote.
Comment: The c.1686T>A variant is not present in publicly available population databases like 1000 Genomes, Exome Variant Server (EVS), Genome Aggregation Database (gnomAD) and Indian Exome Database. The variant is not present in our in-house exome database. The variant was not reported to ClinVar, Human Genome Mutation Database (HGMD) and/or OMIM databases in any affected individuals. In-silico pathogenicity prediction programs like MutationTaster2, CADD, Varsome etc. predicted this variant to be likely deleterious.